The following is an entry in ClinVar:

ClinVar aggregate classification (germline): Uncertain significance. Review status: criteria provided, multiple submitters, no conflicts (2 of 4 stars). 2 submissions from 2 submitters: Uncertain significance (2). Last evaluated 2024-01-04.

Conditions:
Hematuria, benign familial, 1 (BFH1). Also called: THIN MEMBRANE NEPHROPATHY. Identifiers: MedGen CN376803, MONDO:0007709, OMIM 141200.
Autosomal recessive Alport syndrome (ATS2). Also called: COL4A3-Related Nephropathy; Alport syndrome type 2; COL4A4 Alport Syndrome and Thin Basement Membrane Nephropathy; ALPORT SYNDROME 2, AUTOSOMAL RECESSIVE. Identifiers: Orphanet 63, Orphanet 88919, MedGen C4746745, MONDO:0008762, OMIM 203780.

Allele frequency attached by ClinVar (database versions not stated): gnomAD exomes below 0.00001; TOPMed below 0.00001; gnomAD 0.00001.

Submissions (2):

Fulgent Genetics
Classification: Uncertain significance for Hematuria, benign familial, 1; Autosomal recessive Alport syndrome. Last evaluated: 2024-01-04. Review status: criteria provided, single submitter. Criteria: ACMG Guidelines, 2015. Collection method: clinical testing. Allele origin: germline.

Labcorp Genetics (formerly Invitae), Labcorp
Classification: Uncertain significance. Last evaluated: 2022-03-18. Review status: criteria provided, single submitter. Criteria: Invitae Variant Classification Sherloc (09022015). Collection method: clinical testing. Allele origin: germline.
Comment: This sequence change replaces arginine, which is basic and polar, with lysine, which is basic and polar, at codon 1593 of the COL4A4 protein (p.Arg1593Lys). This variant is present in population databases (no rsID available, gnomAD 0.01%). This variant has not been reported in the literature in individuals affected with COL4A4-related conditions. Advanced modeling of protein sequence and biophysical properties (such as structural, functional, and spatial information, amino acid conservation, physicochemical variation, residue mobility, and thermodynamic stability) performed at Invitae indicates that this missense variant is not expected to disrupt COL4A4 protein function. In summary, the available evidence is currently insufficient to determine the role of this variant in disease. Therefore, it has been classified as a Variant of Uncertain Significance.

NM_000092.5(COL4A4):c.4778G>A (p.Arg1593Lys)

Gene: COL4A4 (collagen type IV alpha 4 chain; minus strand). Cytogenetic location: 2q36.3.
Variant type: single nucleotide variant.
Coding change: c.4778G>A on transcript NM_000092.5 (MANE Select); coding-DNA position 4778, G replaced by A.
Protein change: p.Arg1593Lys; replaces arginine 1593 with lysine.
Molecular consequence: missense variant.
Genome position (GRCh38, 1-based): chr2:227,008,049, C>T on the plus strand (G>A on the coding strand, the complement: COL4A4 is on the minus strand). VCF-style: chr2-227008049-C-T. GRCh37 (hg19) VCF-style: chr2-227872765-C-T.
Other names: short protein forms R1593K.
Identifiers: ClinVar variation 1985399 (VCV001985399.2), dbSNP rs1011809976, ClinGen allele CA67238291.